The following is an entry in ClinVar:

ClinVar aggregate classification (germline): Uncertain significance (1 of 4 stars; one submission).

Allele frequency attached by ClinVar (database versions not stated): gnomAD exomes below 0.00001.
gnomAD v4.1: 1 of 1,210,694 alleles (0.000083%); highest among the groups gnomAD compares: Non-Finnish European, 0.00011%; no homozygotes.

Submission:

Labcorp Genetics (formerly Invitae), Labcorp
Classification: Uncertain significance. Last evaluated: 2025-04-21. Review status: criteria provided, single submitter. Criteria: Invitae Variant Classification Sherloc (09022015). Collection method: clinical testing. Allele origin: germline.
Comment: This sequence change replaces alanine, which is neutral and non-polar, with glycine, which is neutral and non-polar, at codon 231 of the CLCN4 protein (p.Ala231Gly). This variant is not present in population databases (gnomAD no frequency). This variant has not been reported in the literature in individuals affected with CLCN4-related conditions. ClinVar contains an entry for this variant (Variation ID: 2695300). Invitae Evidence Modeling of protein sequence and biophysical properties (such as structural, functional, and spatial information, amino acid conservation, physicochemical variation, residue mobility, and thermodynamic stability) has been performed for this missense variant. However, the output from this modeling did not meet the statistical confidence thresholds required to predict the impact of this variant on CLCN4 protein function. In summary, the available evidence is currently insufficient to determine the role of this variant in disease. Therefore, it has been classified as a Variant of Uncertain Significance.

NM_001830.4(CLCN4):c.692C>G (p.Ala231Gly)

Gene: CLCN4 (Cl-/H+ antiporter 4; plus strand). Cytogenetic location: Xp22.2.
Variant type: single nucleotide variant.
Coding change: c.692C>G on transcript NM_001830.4 (MANE Select); coding-DNA position 692, C replaced by G.
Protein change: p.Ala231Gly; replaces alanine 231 with glycine.
Molecular consequence: missense variant.
Genome position (GRCh38, 1-based): chrX:10,206,494, C>G. VCF-style: chrX-10206494-C-G. GRCh37 (hg19) VCF-style: chrX-10174534-C-G.
Other names: c.410C>G, p.Ala137Gly (NM_001256944.2); short protein forms A137G, A231G.
Identifiers: ClinVar variation 2695300 (VCV002695300.3), dbSNP rs2518884307, ClinGen allele CA412036802.
Genomic context (GRCh38, chrX:10,206,494, plus strand): 5'-TGGTGCTGGTAGTGTCCTCCGGTCTGAGCCTTGGGAAGGAAGGGCCGCTAGTGCACGTGG[C>G]TTGTTGCTGTGGCAACTTCTTCAGCAGCCTTTTCTCCAAGTACAGCAAGAATGAGGGCAA-3'
Protein context (NP_001821.2, residues 221-241): LGKEGPLVHV[Ala231Gly]CCCGNFFSSL